The following is an entry in ClinVar:

ClinVar aggregate classification (germline): Uncertain significance (1 of 4 stars; one submission).

Conditions:
Hereditary spastic paraplegia 11. Also called: Spastic paraplegia, mental retardation and thin corpus callosum; Nakamura Osame syndrome; Autosomal recessive hereditary spastic paraplegia, mental impairment, and thin corpus callosum; SPASTIC PARAPLEGIA, AUTOSOMAL RECESSIVE, COMPLICATED, WITH THIN CORPUS CALLOSUM; SPASTIC PARAPLEGIA, AUTOSOMAL RECESSIVE, WITH MENTAL IMPAIRMENT AND THIN CORPUS CALLOSUM; Spastic Paraplegia 11. Identifiers: Orphanet 2822, MedGen C1858479, MONDO:0011445, OMIM 604360.

Submission:

Labcorp Genetics (formerly Invitae), Labcorp
Classification: Uncertain significance for Hereditary spastic paraplegia 11. Last evaluated: 2022-08-07. Review status: criteria provided, single submitter. Criteria: Invitae Variant Classification Sherloc (09022015). Collection method: clinical testing. Allele origin: germline.
Comment: In summary, the available evidence is currently insufficient to determine the role of this variant in disease. Therefore, it has been classified as a Variant of Uncertain Significance. This sequence change replaces leucine, which is neutral and non-polar, with tryptophan, which is neutral and slightly polar, at codon 1912 of the SPG11 protein (p.Leu1912Trp). This variant is present in population databases (no rsID available, gnomAD 0.0009%). This variant has not been reported in the literature in individuals affected with SPG11-related conditions. Algorithms developed to predict the effect of missense changes on protein structure and function are either unavailable or do not agree on the potential impact of this missense change (SIFT: "Deleterious"; PolyPhen-2: "Probably Damaging"; Align-GVGD: "Class C15").

NM_025137.4(SPG11):c.5735T>G (p.Leu1912Trp)

Gene: SPG11 (SPG11 vesicle trafficking associated, spatacsin; minus strand). Cytogenetic location: 15q21.1.
Variant type: single nucleotide variant.
Coding change: c.5735T>G on transcript NM_025137.4 (MANE Select); coding-DNA position 5735, T replaced by G.
Protein change: p.Leu1912Trp; replaces leucine 1912 with tryptophan.
Molecular consequence: missense variant.
Genome position (GRCh38, 1-based): chr15:44,583,945, A>C on the plus strand (T>G on the coding strand, the complement: SPG11 is on the minus strand). VCF-style: chr15-44583945-A-C. GRCh37 (hg19) VCF-style: chr15-44876143-A-C.
Other names: c.5735T>G, p.Leu1912Trp (NM_001160227.2); c.5591T>G, p.Leu1864Trp (NM_001411132.1); short protein forms L1912W, L1864W.
Identifiers: ClinVar variation 1927126 (VCV001927126.4), dbSNP rs1478879106, ClinGen allele CA392221539.
Genomic context (GRCh38, chr15:44,583,945, plus strand): 5'-TGGATCTCTGGGTGCAGATCCTCCATACTAGCTTCCCCTGAGGCCAGTGCTCTGCAGTGC[A>C]ATACCAAGGCGACATCTGGATTATAAAAATGAAAATACCGGCATACTCTACTTGCTTCAT-3'
Protein context (NP_079413.3, residues 1902-1922): HFYNPDVALV[Leu1912Trp]HCRALASGEA